The following is an entry in ClinVar:

ClinVar aggregate classification (germline): Uncertain significance. Review status: criteria provided, multiple submitters, no conflicts (2 of 4 stars). 2 submissions from 2 submitters: Uncertain significance (2). Last evaluated 2025-01-24.

Conditions:
Fanconi anemia complementation group P. Also called: SLX4-Related Fanconi Anemia. Identifiers: Orphanet 84, MedGen C3469542, MONDO:0013499, OMIM 613951.
Fanconi anemia (FA). Also called: Fanconi's anemia. Identifiers: Orphanet 84, MedGen C0015625, MeSH D005199, MONDO:0019391.

Allele frequency attached by ClinVar (database versions not stated): gnomAD exomes below 0.00001 and 0.00002; gnomAD 0.00001; TOPMed 0.00002.
gnomAD v4.1: 29 of 1,614,086 alleles (0.0018%); highest among the groups gnomAD compares: Non-Finnish European, 0.0022%; no homozygotes.

Submissions (2):

Labcorp Genetics (formerly Invitae), Labcorp
Classification: Uncertain significance for Fanconi anemia. Last evaluated: 2025-01-24. Review status: criteria provided, single submitter. Criteria: Invitae Variant Classification Sherloc (09022015). Collection method: clinical testing. Allele origin: germline.
Comment: This sequence change replaces arginine, which is basic and polar, with threonine, which is neutral and polar, at codon 1137 of the SLX4 protein (p.Arg1137Thr). This variant is present in population databases (no rsID available, gnomAD 0.0009%). This variant has not been reported in the literature in individuals affected with SLX4-related conditions. ClinVar contains an entry for this variant (Variation ID: 836193). An algorithm developed to predict the effect of missense changes on protein structure and function outputs the following: PolyPhen-2: "Benign". The threonine amino acid residue is found in multiple mammalian species, which suggests that this missense change does not adversely affect protein function. In summary, the available evidence is currently insufficient to determine the role of this variant in disease. Therefore, it has been classified as a Variant of Uncertain Significance.

Illumina Laboratory Services, Illumina
Classification: Uncertain significance for Fanconi anemia complementation group P. Last evaluated: 2018-01-13. Review status: criteria provided, single submitter. Criteria: ICSL Variant Classification Criteria 13 December 2019. Collection method: clinical testing. Allele origin: germline.

NM_032444.4(SLX4):c.3410G>C (p.Arg1137Thr)

Gene: SLX4 (SLX4 structure-specific endonuclease subunit; minus strand). Cytogenetic location: 16p13.3.
Variant type: single nucleotide variant.
Coding change: c.3410G>C on transcript NM_032444.4 (MANE Select); coding-DNA position 3410, G replaced by C.
Protein change: p.Arg1137Thr; replaces arginine 1137 with threonine.
Molecular consequence: missense variant.
Genome position (GRCh38, 1-based): chr16:3,590,228, C>G on the plus strand (G>C on the coding strand, the complement: SLX4 is on the minus strand). VCF-style: chr16-3590228-C-G. GRCh37 (hg19) VCF-style: chr16-3640229-C-G.
Other names: short protein forms R1137T.
Identifiers: ClinVar variation 836193 (VCV000836193.9), dbSNP rs1391353238, ClinGen allele CA394520197.